The following is an entry in ClinVar:

NM_018960.6(GNMT):c.653T>C (p.Met218Thr)

Genes: CNPY3-GNMT (CNPY3-GNMT readthrough; plus strand), GNMT (glycine N-methyltransferase; plus strand). Cytogenetic location: 6p21.1.
Variant type: single nucleotide variant.
Coding change: c.653T>C on transcript NM_018960.6 (MANE Select); coding-DNA position 653, T replaced by C.
Protein change: p.Met218Thr; replaces methionine 218 with threonine.
Molecular consequence: missense variant. On other transcripts: non-coding transcript variant (4).
Genome position (GRCh38, 1-based): chr6:42,963,386, T>C. VCF-style: chr6-42963386-T-C. GRCh37 (hg19) VCF-style: chr6-42931124-T-C.
Other names: c.653T>C (NM_018960.4); c.455T>C, p.Met152Thr (NM_001318856.2); c.470T>C, p.Met157Thr (NM_001318857.2); c.362T>C, p.Met121Thr (NM_001318858.2); c.596T>C, p.Met199Thr (NM_001318865.2); short protein forms M157T, M121T, M218T, M152T, M199T.
Identifiers: ClinVar variation 1040602 (VCV001040602.8), dbSNP rs766824673, ClinGen allele CA3810771.

ClinVar aggregate classification (germline): Uncertain significance. Review status: criteria provided, multiple submitters, no conflicts (2 of 4 stars). 2 submissions from 2 submitters: Uncertain significance (2). Last evaluated 2025-10-29.

Allele frequency attached by ClinVar (database versions not stated): gnomAD 0.00003 and 0.00004; gnomAD exomes 0.00004; TOPMed 0.00006; ExAC 0.00005.

Submissions (2):

Ambry Genetics
Classification: Uncertain significance. Last evaluated: 2025-10-29. Review status: criteria provided, single submitter. Criteria: Ambry Variant Classification Scheme 2023. Collection method: clinical testing. Allele origin: germline.

Labcorp Genetics (formerly Invitae), Labcorp
Classification: Uncertain significance. Last evaluated: 2023-09-01. Review status: criteria provided, single submitter. Criteria: Invitae Variant Classification Sherloc (09022015). Collection method: clinical testing. Allele origin: germline.
Comment: This variant has not been reported in the literature in individuals affected with GNMT-related conditions. This sequence change replaces methionine, which is neutral and non-polar, with threonine, which is neutral and polar, at codon 218 of the GNMT protein (p.Met218Thr). This variant is present in population databases (rs766824673, gnomAD 0.01%). ClinVar contains an entry for this variant (Variation ID: 1040602). Advanced modeling of protein sequence and biophysical properties (such as structural, functional, and spatial information, amino acid conservation, physicochemical variation, residue mobility, and thermodynamic stability) performed at Invitae indicates that this missense variant is not expected to disrupt GNMT protein function. In summary, the available evidence is currently insufficient to determine the role of this variant in disease. Therefore, it has been classified as a Variant of Uncertain Significance.